The following is an entry in ClinVar:

NM_014264.5(PLK4):c.1713C>T (p.Ser571=)

Gene: PLK4 (polo like kinase 4; plus strand). Cytogenetic location: 4q28.1.
Variant type: single nucleotide variant.
Coding change: c.1713C>T on transcript NM_014264.5 (MANE Select); coding-DNA position 1713, C replaced by T.
Protein change: p.Ser571=; no amino-acid change (serine 571 retained).
Molecular consequence: synonymous variant.
Genome position (GRCh38, 1-based): chr4:127,890,119, C>T. VCF-style: chr4-127890119-C-T. GRCh37 (hg19) VCF-style: chr4-128811274-C-T.
Other names: c.1617C>T, p.Ser539= (NM_001190799.2); c.1590C>T, p.Ser530= (NM_001190801.2).
Identifiers: ClinVar variation 2502484 (VCV002502484.1), dbSNP rs770833041, ClinGen allele CA441206159.

ClinVar aggregate classification (germline): Uncertain significance (1 of 4 stars; one submission).

gnomAD v4.1: 1 of 1,613,870 alleles (0.000062%); highest among the groups gnomAD compares: Non-Finnish European, 0.000085%; no homozygotes.

Submission:

GeneDx
Classification: Uncertain significance. Last evaluated: 2022-11-18. Review status: criteria provided, single submitter. Criteria: GeneDx Variant Classification Process June 2021. Collection method: clinical testing. Allele origin: germline. Affected: yes.
Comment: Not observed at significant frequency in large population cohorts (gnomAD); In silico analysis supports a deleterious effect on splicing; Has not been previously published as pathogenic or benign to our knowledge